The following is an entry in ClinVar:

ClinVar aggregate classification (germline): Uncertain significance (1 of 4 stars; one submission).

Allele frequency attached by ClinVar (database versions not stated): gnomAD exomes 0.00001; ExAC 0.00002.
gnomAD v4.1: 4 of 1,585,236 alleles (0.00025%); highest among the groups gnomAD compares: Admixed American, 0.0033%; no homozygotes.

Submission:

Labcorp Genetics (formerly Invitae), Labcorp
Classification: Uncertain significance. Last evaluated: 2015-12-31. Review status: criteria provided, single submitter. Criteria: Invitae Variant Classification Sherloc (09022015). Collection method: clinical testing. Allele origin: germline.
Comment: This sequence change replaces leucine with valine at codon 195 of the EPCAM protein (p.Leu195Val). The leucine residue is highly conserved and there is a small physicochemical difference between leucine and valine. This variant is present in population databases (rs770760223, ExAC 0.009%) but has not been reported in the literature in individuals with a EPCAM-related disease. Algorithms developed to predict the effect of missense changes on protein structure and function (SIFT, PolyPhen-2, Align-GVGD) all suggest that this variant is likely to be tolerated, but these predictions have not been confirmed by published functional studies. In summary, this is a rare missense change that is not predicted to affect protein function or cause disease. However the evidence is insufficient at this time to prove that conclusively. Therefore, it has been classified as a Variant of Uncertain Significance.

NM_002354.3(EPCAM):c.583C>G (p.Leu195Val)

Gene: EPCAM (epithelial cell adhesion molecule; plus strand). Cytogenetic location: 2p21.
Variant type: single nucleotide variant.
Coding change: c.583C>G on transcript NM_002354.3 (MANE Select); coding-DNA position 583, C replaced by G.
Protein change: p.Leu195Val; replaces leucine 195 with valine.
Molecular consequence: missense variant.
Genome position (GRCh38, 1-based): chr2:47,378,980, C>G. VCF-style: chr2-47378980-C-G. GRCh37 (hg19) VCF-style: chr2-47606119-C-G.
Other names: short protein forms L195V.
Identifiers: ClinVar variation 239134 (VCV000239134.9), dbSNP rs770760223, ClinGen allele CA1649091.